The following is an entry in ClinVar:

ClinVar aggregate classification (germline): Uncertain significance (1 of 4 stars; one submission).

Conditions:
Leber congenital amaurosis 3 (LCA3). Also called: SPATA7-Related Retinitis Pigmentosa. Identifiers: MedGen C1858677, MONDO:0011415, OMIM 604232.

gnomAD v4.1: 1 of 1,613,962 alleles (0.000062%); highest among the groups gnomAD compares: African/African-American, 0.0013%; no homozygotes.

Submission:

Labcorp Genetics (formerly Invitae), Labcorp
Classification: Uncertain significance for Leber congenital amaurosis 3. Last evaluated: 2024-06-04. Review status: criteria provided, single submitter. Criteria: Invitae Variant Classification Sherloc (09022015). Collection method: clinical testing. Allele origin: germline.
Comment: This sequence change replaces serine, which is neutral and polar, with alanine, which is neutral and non-polar, at codon 164 of the SPATA7 protein (p.Ser164Ala). This variant is not present in population databases (gnomAD no frequency). This variant has not been reported in the literature in individuals affected with SPATA7-related conditions. Advanced modeling of protein sequence and biophysical properties (such as structural, functional, and spatial information, amino acid conservation, physicochemical variation, residue mobility, and thermodynamic stability) performed at Invitae indicates that this missense variant is not expected to disrupt SPATA7 protein function with a negative predictive value of 80%. In summary, the available evidence is currently insufficient to determine the role of this variant in disease. Therefore, it has been classified as a Variant of Uncertain Significance.

NM_018418.5(SPATA7):c.490T>G (p.Ser164Ala)

Gene: SPATA7 (spermatogenesis associated 7; plus strand). Cytogenetic location: 14q31.3.
Variant type: single nucleotide variant.
Coding change: c.490T>G on transcript NM_018418.5 (MANE Select); coding-DNA position 490, T replaced by G.
Protein change: p.Ser164Ala; replaces serine 164 with alanine.
Molecular consequence: missense variant.
Genome position (GRCh38, 1-based): chr14:88,426,349, T>G. VCF-style: chr14-88426349-T-G. GRCh37 (hg19) VCF-style: chr14-88892693-T-G.
Other names: c.394T>G, p.Ser132Ala (NM_001040428.4); short protein forms S132A, S164A.
Identifiers: ClinVar variation 3756672 (VCV003756672.2).